The following is an entry in ClinVar:

NM_001136472.2(LITAF):c.157G>A (p.Gly53Arg)

Gene: LITAF (lipopolysaccharide induced TNF factor; minus strand). Cytogenetic location: 16p13.13.
Variant type: single nucleotide variant.
Coding change: c.157G>A on transcript NM_001136472.2 (MANE Select); coding-DNA position 157, G replaced by A.
Protein change: p.Gly53Arg; replaces glycine 53 with arginine.
Molecular consequence: missense variant. On other transcripts: non-coding transcript variant (1).
Genome position (GRCh38, 1-based): chr16:11,556,574, C>T on the plus strand (G>A on the coding strand, the complement: LITAF is on the minus strand). VCF-style: chr16-11556574-C-T. GRCh37 (hg19) VCF-style: chr16-11650430-C-T.
Other names: c.157G>A, p.Gly53Arg (NM_001136473.1, NM_004862.4); short protein forms G53R.
Identifiers: ClinVar variation 944854 (VCV000944854.11), dbSNP rs755155866, ClinGen allele CA7904169.

ClinVar aggregate classification (germline): Conflicting classifications of pathogenicity. Review status: criteria provided, conflicting classifications (1 of 4 stars). 2 submissions from 2 submitters: Uncertain significance (1); Likely benign (1). Last evaluated 2024-03-12.

Conditions:
Inborn genetic diseases. Identifiers: MedGen C0950123, MeSH D030342.
Charcot-Marie-Tooth disease type 1C. Also called: CMT, SLOW NERVE CONDUCTION TYPE C; HMSN IC; CHARCOT-MARIE-TOOTH NEUROPATHY, TYPE 1C; NEUROPATHY, HEREDITARY MOTOR AND SENSORY, TYPE IC; CHARCOT-MARIE-TOOTH DISEASE, DEMYELINATING, TYPE 1C; Charcot-Marie-Tooth disease, type IC. Identifiers: Orphanet 101083, MedGen C0270913, MONDO:0010995, OMIM 601098.

Allele frequency attached by ClinVar (database versions not stated): gnomAD exomes below 0.00001 and 0.00002; gnomAD 0.00001; TOPMed 0.00001; ExAC 0.00002.
gnomAD v4.1: 5 of 1,614,050 alleles (0.00031%); highest among the groups gnomAD compares: East Asian, 0.011%; no homozygotes.

Submissions (2):

Labcorp Genetics (formerly Invitae), Labcorp
Classification: Uncertain significance for Charcot-Marie-Tooth disease type 1C. Last evaluated: 2024-03-12. Review status: criteria provided, single submitter. Criteria: Invitae Variant Classification Sherloc (09022015). Collection method: clinical testing. Allele origin: germline.
Comment: This sequence change replaces glycine, which is neutral and non-polar, with arginine, which is basic and polar, at codon 53 of the LITAF protein (p.Gly53Arg). This variant is present in population databases (rs755155866, gnomAD 0.03%). This variant has not been reported in the literature in individuals affected with LITAF-related conditions. ClinVar contains an entry for this variant (Variation ID: 944854). An algorithm developed to predict the effect of missense changes on protein structure and function (PolyPhen-2) suggests that this variant is likely to be disruptive. In summary, the available evidence is currently insufficient to determine the role of this variant in disease. Therefore, it has been classified as a Variant of Uncertain Significance.

Ambry Genetics
Classification: Likely benign for Inborn genetic diseases. Last evaluated: 2019-11-23. Review status: criteria provided, single submitter. Criteria: Ambry Variant Classification Scheme 2023. Collection method: clinical testing. Allele origin: germline.